The following is an entry in ClinVar:

ClinVar aggregate classification (germline): Pathogenic (1 of 4 stars; one submission).

Conditions:
Hereditary cancer-predisposing syndrome. Also called: Tumor predisposition; Hereditary Cancer Syndrome; Neoplastic Syndromes, Hereditary; Hereditary neoplastic syndrome. Identifiers: Orphanet 140162, MedGen C0027672, MeSH D009386, MONDO:0015356.

Submission:

Ambry Genetics
Classification: Pathogenic for Hereditary cancer-predisposing syndrome. Last evaluated: 2018-05-31. Review status: criteria provided, single submitter. Criteria: Ambry Variant Classification Scheme 2023. Collection method: clinical testing. Allele origin: germline.
Comment: The c.2606_2654del49 pathogenic mutation, located in coding exon 9 of the BRCA1 gene, results from a deletion of 49 nucleotides at nucleotide positions 2606 to 2654, causing a translational frameshift with a predicted alternate stop codon (p.F869Sfs*8). This alteration is expected to result in loss of function by premature protein truncation or nonsense-mediated mRNA decay. As such, this alteration is interpreted as a disease-causing mutation.

NM_007294.4(BRCA1):c.2606_2654del (p.Phe869fs)

Gene: BRCA1 (BRCA1 DNA repair associated; minus strand). Cytogenetic location: 17q21.31.
Variant type: Deletion.
Coding change: c.2606_2654del on transcript NM_007294.4 (MANE Select); coding-DNA positions 2606 to 2654, 49 bases deleted.
Protein change: p.Phe869fs; shifts the reading frame from phenylalanine 869.
Molecular consequence: frameshift variant. On other transcripts: intron variant (137).
Genome position (GRCh38, 1-based): chr17:43,092,877-43,092,925, 49 bases deleted; deleting any 49 consecutive bases within chr17:43,092,877-43,092,926 gives the same sequence; the c. name uses the placement nearest the transcript's 3' end. GRCh37 (hg19): chr17:41,244,895-41,244,943.
Other names: c.2483_2531del, p.Phe828fs (NM_001407669.1, NM_001407648.1, NM_001407664.1 and 19 more transcripts); c.577+1819_578-1845del (NM_001408478.1, NM_001408483.1, NM_001408481.1 and 9 more transcripts); c.661+1819_662-1845del (NM_001408450.1, NM_001408434.1, NM_001408447.1 and 6 more transcripts); c.784+1819_785-1845del (NM_001408398.1, NM_001407992.1, NM_001408400.1 and 13 more transcripts); c.664+1819_665-1845del (NM_001408440.1, NM_001408441.1, NM_001408437.1 and 12 more transcripts); c.2480_2528del, p.Phe827fs (NM_001407671.1, NM_001407672.1, NM_001407673.1 and 11 more transcripts); c.2606_2654del49 (NM_007294.3); c.787+1819_788-1845del (NM_001407979.1, NM_001407977.1, NM_001407982.1 and 17 more transcripts); and 42 more; short protein forms F822fs, F869fs, F573fs, F757fs, F758fs, F780fs, F798fs, F802fs.
Identifiers: ClinVar variation 1793724 (VCV001793724.2), dbSNP rs2552185674, ClinGen allele CA2580094001.
Genomic context (GRCh38, chr17:43,092,876, plus strand): 5'-TTGTTCACATTCAAAAGTGACTTTTGGACTTTGTTTCTTTAAGGACCCAGAGTGGGCAGA[GAATGTTGCACATTCCTCTTCTGCATTTCCTGGATTTGAAAACGGAGCAA>G]ATGACTGGCGCTTTGAAACCTTGAATGTATTCTGCAAATACTGAGCATCAAGTTCACTTT-3'